The following is an entry in ClinVar:

ClinVar aggregate classification (germline): Uncertain significance (1 of 4 stars; one submission).

Allele frequency attached by ClinVar (database versions not stated): gnomAD exomes 0.00001 and below 0.00001; ExAC 0.00001; TOPMed 0.00002; gnomAD 0.00002.

Submission:

Labcorp Genetics (formerly Invitae), Labcorp
Classification: Uncertain significance. Last evaluated: 2024-05-18. Review status: criteria provided, single submitter. Criteria: Invitae Variant Classification Sherloc (09022015). Collection method: clinical testing. Allele origin: germline.
Comment: This sequence change replaces proline, which is neutral and non-polar, with arginine, which is basic and polar, at codon 249 of the LRRC10 protein (p.Pro249Arg). This variant is present in population databases (rs781382323, gnomAD 0.0009%). This variant has not been reported in the literature in individuals affected with LRRC10-related conditions. ClinVar contains an entry for this variant (Variation ID: 1350746). An algorithm developed to predict the effect of missense changes on protein structure and function (PolyPhen-2) suggests that this variant is likely to be tolerated. In summary, the available evidence is currently insufficient to determine the role of this variant in disease. Therefore, it has been classified as a Variant of Uncertain Significance.

NM_201550.4(LRRC10):c.746C>G (p.Pro249Arg)

Gene: LRRC10 (leucine rich repeat containing 10; minus strand). Cytogenetic location: 12q15.
Variant type: single nucleotide variant.
Coding change: c.746C>G on transcript NM_201550.4 (MANE Select); coding-DNA position 746, C replaced by G.
Protein change: p.Pro249Arg; replaces proline 249 with arginine.
Molecular consequence: missense variant.
Genome position (GRCh38, 1-based): chr12:69,610,093, G>C on the plus strand (C>G on the coding strand, the complement: LRRC10 is on the minus strand). VCF-style: chr12-69610093-G-C. GRCh37 (hg19) VCF-style: chr12-70003873-G-C.
Other names: short protein forms P249R.
Identifiers: ClinVar variation 1350746 (VCV001350746.8), dbSNP rs781382323, ClinGen allele CA6681004.